The following is an entry in ClinVar:

NM_001378778.1(MPDZ):c.4288A>G (p.Ile1430Val)

Gene: MPDZ (multiple PDZ domain crumbs cell polarity complex component; minus strand). Cytogenetic location: 9p23.
Variant type: single nucleotide variant.
Coding change: c.4288A>G on transcript NM_001378778.1 (MANE Select); coding-DNA position 4288, A replaced by G.
Protein change: p.Ile1430Val; replaces isoleucine 1430 with valine.
Molecular consequence: missense variant.
Genome position (GRCh38, 1-based): chr9:13,136,716, T>C on the plus strand (A>G on the coding strand, the complement: MPDZ is on the minus strand). VCF-style: chr9-13136716-T-C. GRCh37 (hg19) VCF-style: chr9-13136715-T-C.
Other names: c.4189A>G, p.Ile1397Val (NM_001261406.2, NM_001261407.2, NM_001375416.1 and 3 more transcripts); c.4288A>G, p.Ile1430Val (NM_001330637.2, NM_001375413.1, NM_003829.5); c.4078A>G, p.Ile1360Val (NM_001375420.1, NM_001375421.1, NM_001375422.1 and 4 more transcripts); c.3880A>G, p.Ile1294Val (NM_001375427.1); short protein forms I1430V, I1294V, I1360V, I1397V.
Identifiers: ClinVar variation 2159468 (VCV002159468.4), dbSNP rs765489877, ClinGen allele CA4986785.

ClinVar aggregate classification (germline): Uncertain significance (1 of 4 stars; one submission).

Allele frequency attached by ClinVar (database versions not stated): gnomAD exomes 0.00004; ExAC 0.00007.
gnomAD v4.1: 56 of 1,564,634 alleles (0.0036%); highest among the groups gnomAD compares: Non-Finnish European, 0.0048%; no homozygotes.

Submission:

Labcorp Genetics (formerly Invitae), Labcorp
Classification: Uncertain significance. Last evaluated: 2022-08-09. Review status: criteria provided, single submitter. Criteria: Invitae Variant Classification Sherloc (09022015). Collection method: clinical testing. Allele origin: germline.
Comment: In summary, the available evidence is currently insufficient to determine the role of this variant in disease. Therefore, it has been classified as a Variant of Uncertain Significance. Algorithms developed to predict the effect of missense changes on protein structure and function are either unavailable or do not agree on the potential impact of this missense change (SIFT: "Deleterious"; PolyPhen-2: "Benign"; Align-GVGD: "Class C25"). This variant has not been reported in the literature in individuals affected with MPDZ-related conditions. This variant is present in population databases (rs765489877, gnomAD 0.007%). This sequence change replaces isoleucine, which is neutral and non-polar, with valine, which is neutral and non-polar, at codon 1430 of the MPDZ protein (p.Ile1430Val).